The following is an entry in ClinVar:

NM_000245.4(MET):c.4021T>G (p.Phe1341Val)

Gene: MET (MET proto-oncogene, receptor tyrosine kinase; plus strand). Cytogenetic location: 7q31.2.
Variant type: single nucleotide variant.
Coding change: c.4021T>G on transcript NM_000245.4 (MANE Select); coding-DNA position 4021, T replaced by G.
Protein change: p.Phe1341Val; replaces phenylalanine 1341 with valine.
Molecular consequence: missense variant.
Genome position (GRCh38, 1-based): chr7:116,795,972, T>G. VCF-style: chr7-116795972-T-G. GRCh37 (hg19) VCF-style: chr7-116436026-T-G.
Other names: c.4075T>G, p.Phe1359Val (NM_001127500.3); c.2731T>G, p.Phe911Val (NM_001324402.2); short protein forms F1341V, F1359V, F911V.
Identifiers: ClinVar variation 3232991 (VCV003232991.1), dbSNP rs2485874483, ClinGen allele CA369118225.

ClinVar aggregate classification (germline): Uncertain significance (1 of 4 stars; one submission).

Conditions:
Hereditary cancer-predisposing syndrome. Also called: Neoplastic Syndromes, Hereditary; Tumor predisposition; Hereditary neoplastic syndrome; Hereditary Cancer Syndrome. Identifiers: Orphanet 140162, MedGen C0027672, MeSH D009386, MONDO:0015356.

Submission:

Ambry Genetics
Classification: Uncertain significance for Hereditary cancer-predisposing syndrome. Last evaluated: 2023-01-05. Review status: criteria provided, single submitter. Criteria: Ambry Variant Classification Scheme 2023. Collection method: clinical testing. Allele origin: germline.
Comment: The p.F1359V variant (also known as c.4075T>G), located in coding exon 20 of the MET gene, results from a T to G substitution at nucleotide position 4075. The phenylalanine at codon 1359 is replaced by valine, an amino acid with highly similar properties. This amino acid position is conserved. In addition, the in silico prediction for this alteration is inconclusive. Since supporting evidence is limited at this time, the clinical significance of this alteration remains unclear.